The following is an entry in ClinVar:

ClinVar aggregate classification (germline): Pathogenic. Review status: criteria provided, multiple submitters, no conflicts (2 of 4 stars). 2 submissions from 2 submitters: Pathogenic (2). Last evaluated 2022-12-25.

Conditions:
Tubulinopathy. Also called: Tubulinopathies. Identifiers: MedGen CN850169, MONDO:0100153.

Submissions (2):

Labcorp Genetics (formerly Invitae), Labcorp
Classification: Pathogenic. Last evaluated: 2022-12-25. Review status: criteria provided, single submitter. Criteria: Invitae Variant Classification Sherloc (09022015). Collection method: clinical testing. Allele origin: germline.
Comment: This missense change has been observed in individual(s) with lissencephaly (PMID: 26493046). In at least one individual the variant was observed to be de novo. This variant is not present in population databases (gnomAD no frequency). This sequence change replaces cysteine, which is neutral and slightly polar, with phenylalanine, which is neutral and non-polar, at codon 25 of the TUBA1A protein (p.Cys25Phe). ClinVar contains an entry for this variant (Variation ID: 625481). For these reasons, this variant has been classified as Pathogenic. Experimental studies have shown that this missense change affects TUBA1A function (PMID: 26493046). Advanced modeling of protein sequence and biophysical properties (such as structural, functional, and spatial information, amino acid conservation, physicochemical variation, residue mobility, and thermodynamic stability) performed at Invitae indicates that this missense variant is expected to disrupt TUBA1A protein function.

Institute of Human Genetics, FAU Erlangen, Friedrich-Alexander-Universität Erlangen-Nürnberg
Classification: Pathogenic for Tubulinopathies. Last evaluated: 2018-07-01. Review status: criteria provided, single submitter. Criteria: ACMG Guidelines, 2015. Collection method: literature only. Allele origin: de novo. Affected: yes. Observed: 1 variant allele.
Comment: The c.74G>T, p.(Cys25Phe) variant has been reported as a variant of de novo origin. This variant and associated phenotype was previously reported by Yokoi et al. Sci Rep, 2015 PMID: 26493046. Agyria-pachygyria (HP:0031883, HP:0001302); Cerebellar vermis hypoplasia (HP:0001320); no Abnormality of brainstem morphology (-HP:0002363); Dilation of lateral ventricles (HP:0006956); no Congenital microcephaly (-HP:0011451); Spasticity (HP:0001257); Infantile spasms (HP:0012469)

Literature cited by the submitters: PubMed 26493046 (cited by Labcorp Genetics (formerly Invitae), Labcorp); PubMed 30744660 (cited by Institute of Human Genetics, FAU Erlangen, Friedrich-Alexander-Universität Erlangen-Nürnberg); DOI 10.1101/427948 (cited by Institute of Human Genetics, FAU Erlangen, Friedrich-Alexander-Universität Erlangen-Nürnberg).

NM_006009.4(TUBA1A):c.74G>T (p.Cys25Phe)

Gene: TUBA1A (tubulin alpha 1a; minus strand). Cytogenetic location: 12q13.12.
Variant type: single nucleotide variant.
Coding change: c.74G>T on transcript NM_006009.4 (MANE Select); coding-DNA position 74, G replaced by T.
Protein change: p.Cys25Phe; replaces cysteine 25 with phenylalanine.
Molecular consequence: missense variant. On other transcripts: 5 prime UTR variant (1).
Genome position (GRCh38, 1-based): chr12:49,186,763, C>A on the plus strand (G>T on the coding strand, the complement: TUBA1A is on the minus strand). VCF-style: chr12-49186763-C-A. GRCh37 (hg19) VCF-style: chr12-49580546-C-A.
Other names: c.74G>T, p.Cys25Phe (NM_001270399.2); c.-32G>T (NM_001270400.2); short protein forms C25F.
Identifiers: ClinVar variation 625481 (VCV000625481.5), dbSNP rs1565627777, ClinGen allele CA384645769.
Genomic context (GRCh38, chr12:49,186,763, plus strand): 5'-CCTCCCCCAATGGTCTTGTCACTTGGCATCTGGCCATCGGGCTGGATGCCGTGTTCCAGG[C>A]AGTAGAGCTCCCAGCAGGCATTGCCAATCTGGACACCAGCCTGGCCAACGTGGATGGAGA-3'
Protein context (NP_006000.2, residues 15-35): QIGNACWELY[Cys25Phe]LEHGIQPDGQ